The following is an entry in ClinVar:

ClinVar aggregate classification (germline): Uncertain significance. Review status: criteria provided, multiple submitters, no conflicts (2 of 4 stars). 2 submissions from 2 submitters: Uncertain significance (2). Last evaluated 2026-04-24.

Conditions:
EGFR-related lung cancer (EGFR). Identifiers: MedGen CN130014.
Hereditary cancer-predisposing syndrome. Also called: Neoplastic Syndromes, Hereditary; Tumor predisposition; Hereditary Cancer Syndrome; Hereditary neoplastic syndrome. Identifiers: Orphanet 140162, MedGen C0027672, MeSH D009386, MONDO:0015356.

gnomAD v4.1: 3 of 1,614,010 alleles (0.00019%); highest among the groups gnomAD compares: African/African-American, 0.0027%; no homozygotes.

Submissions (2):

Ambry Genetics
Classification: Uncertain significance for Hereditary cancer-predisposing syndrome. Last evaluated: 2026-04-24. Review status: criteria provided, single submitter. Criteria: Ambry Variant Classification Scheme 2023. Collection method: clinical testing. Allele origin: germline.
Comment: The p.P589S variant (also known as c.1765C>T), located in coding exon 15 of the EGFR gene, results from a C to T substitution at nucleotide position 1765. The proline at codon 589 is replaced by serine, an amino acid with similar properties. This amino acid position is well conserved in available vertebrate species. In addition, this alteration is predicted to be tolerated by in silico analysis. Based on the available evidence, the clinical significance of this variant remains unclear.

Labcorp Genetics (formerly Invitae), Labcorp
Classification: Uncertain significance for EGFR-related lung cancer. Last evaluated: 2025-05-25. Review status: criteria provided, single submitter. Criteria: Invitae Variant Classification Sherloc (09022015). Collection method: clinical testing. Allele origin: germline.
Comment: This sequence change replaces proline, which is neutral and non-polar, with serine, which is neutral and polar, at codon 589 of the EGFR protein (p.Pro589Ser). This variant is not present in population databases (gnomAD no frequency). This variant has not been reported in the literature in individuals affected with EGFR-related conditions. Invitae Evidence Modeling of protein sequence and biophysical properties (such as structural, functional, and spatial information, amino acid conservation, physicochemical variation, residue mobility, and thermodynamic stability) indicates that this missense variant is not expected to disrupt EGFR protein function with a negative predictive value of 80%. In summary, the available evidence is currently insufficient to determine the role of this variant in disease. Therefore, it has been classified as a Variant of Uncertain Significance.

NM_005228.5(EGFR):c.1765C>T (p.Pro589Ser)

Gene: EGFR (epidermal growth factor receptor; plus strand). Cytogenetic location: 7p11.2.
Variant type: single nucleotide variant.
Coding change: c.1765C>T on transcript NM_005228.5 (MANE Select); coding-DNA position 1765, C replaced by T.
Protein change: p.Pro589Ser; replaces proline 589 with serine.
Molecular consequence: missense variant.
Genome position (GRCh38, 1-based): chr7:55,165,322, C>T. VCF-style: chr7-55165322-C-T. GRCh37 (hg19) VCF-style: chr7-55233015-C-T.
Other names: c.1630C>T, p.Pro544Ser (NM_001346897.2, NM_001346899.2); c.1765C>T, p.Pro589Ser (NM_001346898.2, NM_201282.2, NM_201284.2); c.1606C>T, p.Pro536Ser (NM_001346900.2); c.964C>T, p.Pro322Ser (NM_001346941.2); short protein forms P322S, P544S, P536S, P589S.
Identifiers: ClinVar variation 4704034 (VCV004704034.2).
Genomic context (GRCh38, chr7:55,165,322, plus strand): 5'-TTCTCCACCTTGGTGCAGGGACCAGACAACTGTATCCAGTGTGCCCACTACATTGACGGC[C>T]CCCACTGCGTCAAGACCTGCCCGGCAGGAGTCATGGGAGAAAACAACACCCTGGTCTGGA-3'
Protein context (NP_005219.2, residues 579-599): CIQCAHYIDG[Pro589Ser]HCVKTCPAGV